The following is an entry in ClinVar:

NM_004415.4(DSP):c.889G>T (p.Asp297Tyr)

Gene: DSP (desmoplakin; plus strand). Cytogenetic location: 6p24.3.
Variant type: single nucleotide variant.
Coding change: c.889G>T on transcript NM_004415.4 (MANE Select); coding-DNA position 889, G replaced by T.
Protein change: p.Asp297Tyr; replaces aspartic acid 297 with tyrosine.
Molecular consequence: missense variant.
Genome position (GRCh38, 1-based): chr6:7,565,470, G>T. VCF-style: chr6-7565470-G-T. GRCh37 (hg19) VCF-style: chr6-7565703-G-T.
Other names: c.889G>T, p.Asp297Tyr (NM_001008844.3, NM_001319034.2); c.889G>T (NM_004415.2); short protein forms D297Y.
Identifiers: ClinVar variation 1515227 (VCV001515227.8), dbSNP rs201930322, ClinGen allele CA362674526.

ClinVar aggregate classification (germline): Uncertain significance. Review status: criteria provided, multiple submitters, no conflicts (2 of 4 stars). 2 submissions from 2 submitters: Uncertain significance (2). Last evaluated 2024-12-02.

Conditions:
Arrhythmogenic right ventricular dysplasia 8 (ARVD8). Also called: Arrhythmogenic Right Ventricular Dysplasia/Cardiomyopathy 8; ARRHYTHMOGENIC RIGHT VENTRICULAR DYSPLASIA, FAMILIAL, 8; ARRHYTHMOGENIC RIGHT VENTRICULAR CARDIOMYOPATHY 8. Identifiers: MedGen C1843896, MONDO:0011831, OMIM 607450.
Arrhythmogenic cardiomyopathy with wooly hair and keratoderma. Also called: Arrhythmogenic cardiomyopathy with woolly hair and keratoderma; Carvajal syndrome; PALMOPLANTAR KERATODERMA WITH LEFT VENTRICULAR CARDIOMYOPATHY AND WOOLLY HAIR; Dilated cardiomyopathy with woolly hair and keratoderma. Identifiers: Orphanet 65282, MedGen C1854063, MONDO:0011581, OMIM 605676.

Submissions (2):

GeneDx
Classification: Uncertain significance. Last evaluated: 2024-12-02. Review status: criteria provided, single submitter. Criteria: GeneDx Variant Classification Process June 2021. Collection method: clinical testing. Allele origin: germline. Affected: yes.
Comment: Not observed at significant frequency in large population cohorts (gnomAD); In silico analysis supports that this missense variant has a deleterious effect on protein structure/function; Has not been previously published as pathogenic or benign to our knowledge

Labcorp Genetics (formerly Invitae), Labcorp
Classification: Uncertain significance for Arrhythmogenic cardiomyopathy with wooly hair and keratoderma; Arrhythmogenic right ventricular dysplasia 8. Last evaluated: 2024-10-29. Review status: criteria provided, single submitter. Criteria: Invitae Variant Classification Sherloc (09022015). Collection method: clinical testing. Allele origin: germline.
Comment: This sequence change replaces aspartic acid, which is acidic and polar, with tyrosine, which is neutral and polar, at codon 297 of the DSP protein (p.Asp297Tyr). This variant is not present in population databases (gnomAD no frequency). This variant has not been reported in the literature in individuals affected with DSP-related conditions. ClinVar contains an entry for this variant (Variation ID: 1515227). An algorithm developed to predict the effect of missense changes on protein structure and function (PolyPhen-2) suggests that this variant is likely to be disruptive. In summary, the available evidence is currently insufficient to determine the role of this variant in disease. Therefore, it has been classified as a Variant of Uncertain Significance.